The following is an entry in ClinVar:

ClinVar aggregate classification (germline): Conflicting classifications of pathogenicity. Review status: criteria provided, conflicting classifications (1 of 4 stars). 2 submissions from 2 submitters: Uncertain significance (1); Likely benign (1). Last evaluated 2024-07-20.

Conditions:
Hereditary cancer-predisposing syndrome. Also called: Tumor predisposition; Hereditary Cancer Syndrome; Neoplastic Syndromes, Hereditary; Hereditary neoplastic syndrome. Identifiers: Orphanet 140162, MedGen C0027672, MeSH D009386, MONDO:0015356.
Bloom syndrome (BLM). Also called: Bloom-Torre-Machacek syndrome. Identifiers: Orphanet 125, MedGen C0005859, MONDO:0008876, OMIM 210900.

Submissions (2):

Labcorp Genetics (formerly Invitae), Labcorp
Classification: Uncertain significance for Bloom syndrome. Last evaluated: 2024-07-20. Review status: criteria provided, single submitter. Criteria: Invitae Variant Classification Sherloc (09022015). Collection method: clinical testing. Allele origin: germline.
Comment: This sequence change replaces arginine, which is basic and polar, with lysine, which is basic and polar, at codon 85 of the BLM protein (p.Arg85Lys). This variant is not present in population databases (gnomAD no frequency). This variant has not been reported in the literature in individuals affected with BLM-related conditions. ClinVar contains an entry for this variant (Variation ID: 1792931). An algorithm developed to predict the effect of missense changes on protein structure and function outputs the following: PolyPhen-2: "Benign". The lysine amino acid residue is found in multiple mammalian species, which suggests that this missense change does not adversely affect protein function. In summary, the available evidence is currently insufficient to determine the role of this variant in disease. Therefore, it has been classified as a Variant of Uncertain Significance.

Ambry Genetics
Classification: Likely benign for Hereditary cancer-predisposing syndrome. Last evaluated: 2024-03-14. Review status: criteria provided, single submitter. Criteria: Ambry Variant Classification Scheme 2023. Collection method: clinical testing. Allele origin: germline.

NM_000057.4(BLM):c.254G>A (p.Arg85Lys)

Gene: BLM (BLM RecQ like helicase; plus strand). Cytogenetic location: 15q26.1.
Variant type: single nucleotide variant.
Coding change: c.254G>A on transcript NM_000057.4 (MANE Select); coding-DNA position 254, G replaced by A.
Protein change: p.Arg85Lys; replaces arginine 85 with lysine.
Molecular consequence: missense variant. On other transcripts: 5 prime UTR variant (1).
Genome position (GRCh38, 1-based): chr15:90,749,522, G>A. VCF-style: chr15-90749522-G-A. GRCh37 (hg19) VCF-style: chr15-91292752-G-A.
Other names: c.254G>A, p.Arg85Lys (NM_001287246.2, NM_001287247.2); c.-1038G>A (NM_001287248.2); short protein forms R85K.
Identifiers: ClinVar variation 1792931 (VCV001792931.5), dbSNP rs141503266, ClinGen allele CA393839990.
Genomic context (GRCh38, chr15:90,749,522, plus strand): 5'-TTAATGTTACCGAAGACTTTTCCTTCAGTGAACCTCTACCCAACACCACAAATCAGCAAA[G>A]GGTCAAGGACTTCTTTAAAAATGCTCCAGCAGGACAGGAAACACAGAGAGGTGGATCAAA-3'
Protein context (NP_000048.1, residues 75-95): EPLPNTTNQQ[Arg85Lys]VKDFFKNAPA